The following is an entry in ClinVar:

NM_024675.4(PALB2):c.3021G>A (p.Met1007Ile)

Gene: PALB2 (partner and localizer of BRCA2; minus strand). Cytogenetic location: 16p12.2.
Variant type: single nucleotide variant.
Coding change: c.3021G>A on transcript NM_024675.4 (MANE Select); coding-DNA position 3021, G replaced by A.
Protein change: p.Met1007Ile; replaces methionine 1007 with isoleucine.
Molecular consequence: missense variant.
Genome position (GRCh38, 1-based): chr16:23,621,454, C>T on the plus strand (G>A on the coding strand, the complement: PALB2 is on the minus strand). VCF-style: chr16-23621454-C-T. GRCh37 (hg19) VCF-style: chr16-23632775-C-T.
Other names: short protein forms M1007I.
Identifiers: ClinVar variation 460974 (VCV000460974.16), dbSNP rs1443207976, ClinGen allele CA395143122.
Genomic context (GRCh38, chr16:23,621,454, plus strand): 5'-AAGCAGAGCTTCTTGCATCCCTTGGACCTCAGCAAAAGTTAGTATAGTCTCCTCAGGGGG[C>T]ATCAAAAATTGGTTTTCTTTGCCTCTGTAATTAAAACAGTATGAAAAGTCAGTACTTTGC-3'
Protein context (NP_078951.2, residues 997-1017): DGGGKENQFL[Met1007Ile]PPEETILTFA

ClinVar aggregate classification (germline): Uncertain significance. Review status: criteria provided, multiple submitters, no conflicts (2 of 4 stars). 4 submissions from 4 submitters: Uncertain significance (4). Last evaluated 2025-11-19.

Conditions:
Hereditary cancer-predisposing syndrome. Also called: Neoplastic Syndromes, Hereditary; Hereditary Cancer Syndrome; Hereditary neoplastic syndrome; Tumor predisposition. Identifiers: Orphanet 140162, MedGen C0027672, MeSH D009386, MONDO:0015356.
Familial cancer of breast. Also called: BREAST CANCER, FAMILIAL; Hereditary breast cancer; hereditary breast carcinoma. Identifiers: Orphanet 227535, MedGen C0346153, MONDO:0016419, OMIM 114480. Disease mechanism: loss of function.

Allele frequency attached by ClinVar (database versions not stated): gnomAD exomes below 0.00001; TOPMed below 0.00001; gnomAD 0.00001.

Submissions (4):

Labcorp Genetics (formerly Invitae), Labcorp
Classification: Uncertain significance for Familial cancer of breast. Last evaluated: 2025-11-19. Review status: criteria provided, single submitter. Criteria: Invitae Variant Classification Sherloc (09022015). Collection method: clinical testing. Allele origin: germline.
Comment: This sequence change replaces methionine, which is neutral and non-polar, with isoleucine, which is neutral and non-polar, at codon 1007 of the PALB2 protein (p.Met1007Ile). This variant is not present in population databases (gnomAD no frequency). This variant has not been reported in the literature in individuals affected with PALB2-related conditions. ClinVar contains an entry for this variant (Variation ID: 460974). Invitae Evidence Modeling of protein sequence and biophysical properties (such as structural, functional, and spatial information, amino acid conservation, physicochemical variation, residue mobility, and thermodynamic stability) indicates that this missense variant is expected to disrupt PALB2 protein function with a positive predictive value of 80%. In summary, the available evidence is currently insufficient to determine the role of this variant in disease. Therefore, it has been classified as a Variant of Uncertain Significance.

Quest Diagnostics Nichols Institute San Juan Capistrano
Classification: Uncertain significance. Last evaluated: 2022-10-17. Review status: criteria provided, single submitter. Criteria: Quest Diagnostics criteria. Collection method: clinical testing. Allele origin: unknown.
Comment: The variant has not been reported in the published literature. The frequency of this variant in the general population, 0.000066 (1/15258 chromosomes), is uninformative in assessment of its pathogenicity. Analysis of this variant using bioinformatics tools for the prediction of the effect of amino acid changes on protein structure and function yielded conflicting predictions that this variant is benign or damaging. Based on the available information, we are unable to determine the clinical significance of this variant.

Ambry Genetics
Classification: Uncertain significance for Hereditary cancer-predisposing syndrome. Last evaluated: 2022-05-26. Review status: criteria provided, single submitter. Criteria: Ambry Variant Classification Scheme 2023. Collection method: clinical testing. Allele origin: germline.
Comment: The p.M1007I variant (also known as c.3021G>A), located in coding exon 10 of the PALB2 gene, results from a G to A substitution at nucleotide position 3021. The methionine at codon 1007 is replaced by isoleucine, an amino acid with highly similar properties. This amino acid position is conserved. In addition, this alteration is predicted to be tolerated by in silico analysis. Since supporting evidence is limited at this time, the clinical significance of this alteration remains unclear.

GeneDx
Classification: Uncertain significance. Last evaluated: 2020-02-24. Review status: criteria provided, single submitter. Criteria: GeneDx Variant Classification Process June 2021. Collection method: clinical testing. Allele origin: germline. Affected: yes.
Comment: Not observed in large population cohorts (Lek 2016); In silico analysis supports that this missense variant has a deleterious effect on protein structure/function; Has not been previously published as pathogenic or benign to our knowledge